The following is an entry in ClinVar:

NM_003482.4(KMT2D):c.8310C>T (p.Asp2770=)

Gene: KMT2D (lysine methyltransferase 2D; minus strand). Cytogenetic location: 12q13.12.
Variant type: single nucleotide variant.
Coding change: c.8310C>T on transcript NM_003482.4 (MANE Select); coding-DNA position 8310, C replaced by T.
Protein change: p.Asp2770=; no amino-acid change (aspartic acid 2770 retained).
Molecular consequence: synonymous variant.
Genome position (GRCh38, 1-based): chr12:49,039,278, G>A on the plus strand (C>T on the coding strand, the complement: KMT2D is on the minus strand). VCF-style: chr12-49039278-G-A. GRCh37 (hg19) VCF-style: chr12-49433061-G-A.
Identifiers: ClinVar variation 2730672 (VCV002730672.5), dbSNP rs776565863, ClinGen allele CA6546868.
Genomic context (GRCh38, chr12:49,039,278, plus strand): 5'-TCACCGGCTGTTCACATCCATAGAGGAAGGCGTGGCTGGTGGAGGTGGCCGGGAGAGTCG[G>A]TCATCGCTAGGGAAGGACCCTGGCCCCAGGATGGGGCCACTCAGCTTGCTTGGGGGCAAC-3'
Protein context (NP_003473.3, residues 2760-2780): ILGPGSFPSD[Asp2770=]RLSRPPPPAT

ClinVar aggregate classification (germline): Likely benign. Review status: criteria provided, single submitter (1 of 4 stars). 2 submissions from 2 submitters: Likely benign (1). 1 of the submissions does not count toward it. Last evaluated 2023-07-11.

Conditions:
KMT2D-related disorder. Also called: KMT2D-Related Disorders.
Kabuki syndrome. Also called: Kabuki make-up syndrome; NIIKAWA-KUROKI SYNDROME. Identifiers: Orphanet 2322, MedGen C0796004, MONDO:0016512.

Allele frequency attached by ClinVar (database versions not stated): ExAC 0.00001.
gnomAD v4.1: 12 of 1,613,564 alleles (0.00074%); highest among the groups gnomAD compares: Non-Finnish European, 0.001%; no homozygotes.

Submissions (2):

Labcorp Genetics (formerly Invitae), Labcorp
Classification: Likely benign for Kabuki syndrome. Last evaluated: 2023-07-11. Review status: criteria provided, single submitter. Criteria: Invitae Variant Classification Sherloc (09022015). Collection method: clinical testing. Allele origin: germline.

PreventionGenetics, part of Exact Sciences
Classification: Likely benign for KMT2D-related condition. Last evaluated: 2022-03-08. Review status: no assertion criteria provided. Collection method: clinical testing. Allele origin: germline. Not counted in ClinVar's aggregate classification.
Comment: This variant is classified as likely benign based on ACMG/AMP sequence variant interpretation guidelines (Richards et al. 2015 PMID: 25741868, with internal and published modifications).